The following is an entry in ClinVar:

NM_018979.4(WNK1):c.3314C>G (p.Ser1105Cys)

Gene: WNK1 (WNK lysine deficient protein kinase 1; plus strand). Cytogenetic location: 12p13.33.
Variant type: single nucleotide variant.
Coding change: c.3314C>G on transcript NM_018979.4 (MANE Select); coding-DNA position 3314, C replaced by G.
Protein change: p.Ser1105Cys; replaces serine 1105 with cysteine.
Molecular consequence: missense variant.
Genome position (GRCh38, 1-based): chr12:882,015, C>G. VCF-style: chr12-882015-C-G. GRCh37 (hg19) VCF-style: chr12-991181-C-G.
Other names: c.4094C>G, p.Ser1365Cys (NM_001184985.2); c.2573C>G, p.Ser858Cys (NM_014823.3); c.4070C>G, p.Ser1357Cys (NM_213655.5); short protein forms S1105C, S1357C, S1365C, S858C.
Identifiers: ClinVar variation 538501 (VCV000538501.10), dbSNP rs767286874, ClinGen allele CA6382738.

ClinVar aggregate classification (germline): Uncertain significance. Review status: criteria provided, multiple submitters, no conflicts (2 of 4 stars). 4 submissions from 4 submitters: Uncertain significance (4). Last evaluated 2025-01-06.

Conditions:
Neuropathy, hereditary sensory and autonomic, type 2A (HSAN2A). Also called: ACROOSTEOLYSIS, GIACCAI TYPE; ACROOSTEOLYSIS, NEUROGENIC; MORVAN DISEASE; NEUROPATHY, CONGENITAL SENSORY; NEUROPATHY, HEREDITARY SENSORY RADICULAR, AUTOSOMAL RECESSIVE; NEUROPATHY, HEREDITARY SENSORY, TYPE IIA. Identifiers: Orphanet 970, MedGen C2752089, MONDO:0024309, OMIM 201300.
Pseudohypoaldosteronism type 2C (PHA2C). Also called: Pseudohypoaldosteronism Type IIC. Identifiers: Orphanet 757, Orphanet 88940, MedGen C1840391, MONDO:0013778, OMIM 614492.
Inborn genetic diseases. Identifiers: MedGen C0950123, MeSH D030342.

Allele frequency attached by ClinVar (database versions not stated): ExAC 0.00001; gnomAD 0.00001; gnomAD exomes 0.00001 and 0.00002; TOPMed 0.00003.
gnomAD v4.1: 18 of 1,614,012 alleles (0.0011%); highest among the groups gnomAD compares: African/African-American, 0.0027%; no homozygotes.

Submissions (4):

Labcorp Genetics (formerly Invitae), Labcorp
Classification: Uncertain significance for Neuropathy, hereditary sensory and autonomic, type 2A; Pseudohypoaldosteronism type 2C. Last evaluated: 2025-01-06. Review status: criteria provided, single submitter. Criteria: Invitae Variant Classification Sherloc (09022015). Collection method: clinical testing. Allele origin: germline.
Comment: This sequence change replaces serine, which is neutral and polar, with cysteine, which is neutral and slightly polar, at codon 1357 of the WNK1 protein (p.Ser1357Cys). This variant is present in population databases (rs767286874, gnomAD 0.007%). This variant has not been reported in the literature in individuals affected with WNK1-related conditions. ClinVar contains an entry for this variant (Variation ID: 538501). Invitae Evidence Modeling of protein sequence and biophysical properties (such as structural, functional, and spatial information, amino acid conservation, physicochemical variation, residue mobility, and thermodynamic stability) indicates that this missense variant is not expected to disrupt WNK1 protein function with a negative predictive value of 95%. In summary, the available evidence is currently insufficient to determine the role of this variant in disease. Therefore, it has been classified as a Variant of Uncertain Significance.

Blueprint Genetics
Classification: Uncertain significance. Last evaluated: 2024-06-17. Review status: criteria provided, single submitter. Criteria: ACMG Guidelines, 2015. Collection method: clinical testing. Allele origin: germline.

Ambry Genetics
Classification: Uncertain significance for Inborn genetic diseases. Last evaluated: 2023-12-15. Review status: criteria provided, single submitter. Criteria: Ambry Variant Classification Scheme 2023. Collection method: clinical testing. Allele origin: germline.

Breakthrough Genomics
Classification: Uncertain significance. Review status: criteria provided, single submitter. Criteria: ACMG Guidelines, 2015. Collection method: not provided. Allele origin: germline. Inheritance: Autosomal recessive inheritance. Affected: yes.